The following is an entry in ClinVar:

ClinVar aggregate classification (germline): Uncertain significance (1 of 4 stars; one submission).

Submission:

GeneDx
Classification: Uncertain significance. Last evaluated: 2019-06-27. Review status: criteria provided, single submitter. Criteria: GeneDx Variant Classification Process June 2021. Collection method: clinical testing. Allele origin: germline. Affected: yes.
Comment: Has not been previously published as pathogenic or benign to our knowledge; Not observed in large population cohorts (Lek et al., 2016); In-frame deletion of one amino acid; in silico analysis, which includes protein predictors and evolutionary conservation, supports a deleterious effect

NM_001110556.2(FLNA):c.1772_1774del (p.Val591del)

Gene: FLNA (filamin A; minus strand). Cytogenetic location: Xq28.
Variant type: Deletion.
Coding change: c.1772_1774del on transcript NM_001110556.2 (MANE Select); coding-DNA positions 1772 to 1774, 3 bases deleted (TTG; older notation c.1772_1774delTTG).
Protein change: p.Val591del; deletes valine 591.
Molecular consequence: inframe deletion.
Genome position (GRCh38, 1-based): chrX:154,364,875-154,364,877, CAA deleted on the plus strand (TTG on the coding strand, the reverse complement: FLNA is on the minus strand); deleting any 3 consecutive bases within chrX:154,364,875-154,364,878 gives the same sequence; the c. name uses the placement nearest the transcript's 3' end. VCF-style (leftmost placement, unchanged base first): chrX-154364874-CCAA-C. GRCh37 (hg19) VCF-style: chrX-153593242-CCAA-C.
Other names: c.1772_1774del, p.Val591del (NM_001456.4); short protein forms V591del.
Identifiers: ClinVar variation 1306721 (VCV001306721.2), dbSNP rs2148116506, ClinGen allele CA2573055164.
Genomic context (GRCh38, chrX:154,364,874, plus strand): 5'-AACTTACCCAGCGTGCCCACGTCGTCCCCGATAGCCTCCACCACAAAGTCTGCTGACTTG[CCAA>C]CGACGCCGCCCTCCAGCCCAGGGCCCCAGGCCCGTACCTTCTGATTGCCACACTCGGTGC-3'